The following is an entry in ClinVar:

NM_020975.6(RET):c.1349G>A (p.Ser450Asn)

Gene: RET (ret proto-oncogene; plus strand). Cytogenetic location: 10q11.21.
Variant type: single nucleotide variant.
Coding change: c.1349G>A on transcript NM_020975.6 (MANE Select); coding-DNA position 1349, G replaced by A.
Protein change: p.Ser450Asn; replaces serine 450 with asparagine.
Molecular consequence: missense variant.
Genome position (GRCh38, 1-based): chr10:43,111,292, G>A. VCF-style: chr10-43111292-G-A. GRCh37 (hg19) VCF-style: chr10-43606740-G-A.
Other names: c.1349G>A, p.Ser450Asn (NM_000323.2, NM_001406743.1, NM_001406744.1 and 6 more transcripts); c.587G>A, p.Ser196Asn (NM_001355216.2); c.1220G>A, p.Ser407Asn (NM_001406761.1, NM_001406762.1, NM_001406764.1 and 1 more transcripts); c.1061G>A, p.Ser354Asn (NM_001406766.1, NM_001406767.1, NM_001406770.1); c.953G>A, p.Ser318Asn (NM_001406769.1, NM_001406772.1); c.911G>A, p.Ser304Asn (NM_001406771.1, NM_001406773.1); c.824G>A, p.Ser275Asn (NM_001406774.1); c.623G>A, p.Ser208Asn (NM_001406775.1, NM_001406776.1, NM_001406777.1 and 1 more transcripts); and 1 more; short protein forms S196N, S318N, S275N, S354N, S407N, S450N, S120N, S208N.
Identifiers: ClinVar variation 1770550 (VCV001770550.5), dbSNP rs2132768628, ClinGen allele CA376549142.

ClinVar aggregate classification (germline): Uncertain significance. Review status: criteria provided, multiple submitters, no conflicts (2 of 4 stars). 2 submissions from 2 submitters: Uncertain significance (2). Last evaluated 2023-10-19.

Conditions:
Hereditary cancer-predisposing syndrome. Also called: Hereditary Cancer Syndrome; Hereditary neoplastic syndrome; Neoplastic Syndromes, Hereditary; Tumor predisposition. Identifiers: Orphanet 140162, MedGen C0027672, MeSH D009386, MONDO:0015356.
Multiple endocrine neoplasia, type 2 (MEN2). Identifiers: Orphanet 653, MedGen C4048306, MONDO:0019003. Disease mechanism: gain of function.

Submissions (2):

Labcorp Genetics (formerly Invitae), Labcorp
Classification: Uncertain significance for Multiple endocrine neoplasia, type 2. Last evaluated: 2023-10-19. Review status: criteria provided, single submitter. Criteria: Invitae Variant Classification Sherloc (09022015). Collection method: clinical testing. Allele origin: germline.
Comment: This sequence change replaces serine, which is neutral and polar, with asparagine, which is neutral and polar, at codon 450 of the RET protein (p.Ser450Asn). This variant is not present in population databases (gnomAD no frequency). This variant has not been reported in the literature in individuals affected with RET-related conditions. ClinVar contains an entry for this variant (Variation ID: 1770550). An algorithm developed to predict the effect of missense changes on protein structure and function (PolyPhen-2) suggests that this variant is likely to be tolerated. In summary, the available evidence is currently insufficient to determine the role of this variant in disease. Therefore, it has been classified as a Variant of Uncertain Significance.

Ambry Genetics
Classification: Uncertain significance for Hereditary cancer-predisposing syndrome. Last evaluated: 2022-05-19. Review status: criteria provided, single submitter. Criteria: Ambry Variant Classification Scheme 2023. Collection method: clinical testing. Allele origin: germline.
Comment: The p.S450N variant (also known as c.1349G>A), located in coding exon 7 of the RET gene, results from a G to A substitution at nucleotide position 1349. The serine at codon 450 is replaced by asparagine, an amino acid with highly similar properties. This amino acid position is conserved. In addition, this alteration is predicted to be tolerated by in silico analysis. Since supporting evidence is limited at this time, the clinical significance of this alteration remains unclear.